The following is an entry in ClinVar:

NM_001009999.3(KDM1A):c.2230G>A (p.Asp744Asn)

Gene: KDM1A (lysine demethylase 1A; plus strand). Cytogenetic location: 1p36.12.
Variant type: single nucleotide variant.
Coding change: c.2230G>A on transcript NM_001009999.3 (MANE Select); coding-DNA position 2230, G replaced by A.
Protein change: p.Asp744Asn; replaces aspartic acid 744 with asparagine.
Molecular consequence: missense variant.
Genome position (GRCh38, 1-based): chr1:23,081,505, G>A. VCF-style: chr1-23081505-G-A. GRCh37 (hg19) VCF-style: chr1-23407998-G-A.
Other names: c.2176G>A, p.Asp726Asn (NM_001363654.2); c.2236G>A, p.Asp746Asn (NM_001410762.1); c.2158G>A, p.Asp720Asn (NM_001410763.1, NM_015013.4); short protein forms D726N, D720N, D744N, D746N.
Identifiers: ClinVar variation 4622694 (VCV004622694.1).

ClinVar aggregate classification (germline): Uncertain significance (1 of 4 stars; one submission).

Conditions:
Inborn genetic diseases. Identifiers: MedGen C0950123, MeSH D030342.

Submission:

Ambry Genetics
Classification: Uncertain significance for Inborn genetic diseases. Last evaluated: 2025-11-01. Review status: criteria provided, single submitter. Criteria: Ambry Variant Classification Scheme 2023. Collection method: clinical testing. Allele origin: germline.
Comment: The p.D744N variant (also known as c.2230G>A), located in coding exon 19 of the KDM1A gene, results from a G to A substitution at nucleotide position 2230. The aspartic acid at codon 744 is replaced by asparagine, an amino acid with highly similar properties. This amino acid position is conserved. In addition, the in silico prediction for this alteration is inconclusive. Based on the available evidence, the clinical significance of this variant remains unclear.